The following is an entry in ClinVar:

NM_007118.4(TRIO):c.5876T>C (p.Met1959Thr)

Gene: TRIO (trio Rho guanine nucleotide exchange factor; plus strand). Cytogenetic location: 5p15.2.
Variant type: single nucleotide variant.
Coding change: c.5876T>C on transcript NM_007118.4 (MANE Select); coding-DNA position 5876, T replaced by C.
Protein change: p.Met1959Thr; replaces methionine 1959 with threonine.
Molecular consequence: missense variant. On other transcripts: non-coding transcript variant (1).
Genome position (GRCh38, 1-based): chr5:14,471,430, T>C. VCF-style: chr5-14471430-T-C. GRCh37 (hg19) VCF-style: chr5-14471539-T-C.
Other names: short protein forms M1959T.
Identifiers: ClinVar variation 1695823 (VCV001695823.2), dbSNP rs1754678323, ClinGen allele CA359226313.

ClinVar aggregate classification (germline): Uncertain significance (1 of 4 stars; one submission).

Allele frequency attached by ClinVar (database versions not stated): TOPMed below 0.00001.

Submission:

GeneDx
Classification: Uncertain significance. Last evaluated: 2022-01-06. Review status: criteria provided, single submitter. Criteria: GeneDx Variant Classification Process June 2021. Collection method: clinical testing. Allele origin: germline. Affected: yes.
Comment: Not observed at significant frequency in large population cohorts (gnomAD); In silico analysis supports that this missense variant does not alter protein structure/function; Has not been previously published as pathogenic or benign to our knowledge